The following is an entry in ClinVar:

NM_006389.5(HYOU1):c.2840A>T (p.Gln947Leu)

Gene: HYOU1 (hypoxia up-regulated 1; minus strand). Cytogenetic location: 11q23.3.
Variant type: single nucleotide variant.
Coding change: c.2840A>T on transcript NM_006389.5 (MANE Select); coding-DNA position 2840, A replaced by T.
Protein change: p.Gln947Leu; replaces glutamine 947 with leucine.
Molecular consequence: missense variant.
Genome position (GRCh38, 1-based): chr11:119,046,464, T>A on the plus strand (A>T on the coding strand, the complement: HYOU1 is on the minus strand). VCF-style: chr11-119046464-T-A. GRCh37 (hg19) VCF-style: chr11-118917176-T-A.
Other names: c.2840A>T, p.Gln947Leu (NM_001130991.3, NM_001411041.1); short protein forms Q947L.
Identifiers: ClinVar variation 1720297 (VCV001720297.5), dbSNP rs2497091468, ClinGen allele CA382917819.

ClinVar aggregate classification (germline): Uncertain significance (1 of 4 stars; one submission).

Submission:

Labcorp Genetics (formerly Invitae), Labcorp
Classification: Uncertain significance. Last evaluated: 2022-09-24. Review status: criteria provided, single submitter. Criteria: Invitae Variant Classification Sherloc (09022015). Collection method: clinical testing. Allele origin: germline.
Comment: This sequence change replaces glutamine, which is neutral and polar, with leucine, which is neutral and non-polar, at codon 947 of the HYOU1 protein (p.Gln947Leu). This variant is not present in population databases (gnomAD no frequency). This variant has not been reported in the literature in individuals affected with HYOU1-related conditions. Algorithms developed to predict the effect of missense changes on protein structure and function are either unavailable or do not agree on the potential impact of this missense change (SIFT: "Not Available"; PolyPhen-2: "Benign"; Align-GVGD: "Not Available"). In summary, the available evidence is currently insufficient to determine the role of this variant in disease. Therefore, it has been classified as a Variant of Uncertain Significance.